The following is an entry in ClinVar:

NM_015488.5(PNKD):c.465+2T>G

Genes: PNKD (PNKD metallo-beta-lactamase domain containing; plus strand), CATIP-AS2 (CATIP antisense RNA 2; minus strand). Cytogenetic location: 2q35.
Variant type: single nucleotide variant.
Coding change: c.465+2T>G on transcript NM_015488.5 (MANE Select); the canonical splice donor site of the intron after coding-DNA position 465, T replaced by G.
Molecular consequence: splice donor variant.
Genome position (GRCh38, 1-based): chr2:218,340,143, T>G. VCF-style: chr2-218340143-T-G. GRCh37 (hg19) VCF-style: chr2-219204866-T-G.
Other names: c.393+2T>G (NM_022572.4).
Identifiers: ClinVar variation 1006163 (VCV001006163.9), dbSNP rs1230004320, ClinGen allele CA350538896.

ClinVar aggregate classification (germline): Uncertain significance (1 of 4 stars; one submission).

Conditions:
Paroxysmal nonkinesigenic dyskinesia. Also called: Paroxysmal non-kinesigenic dyskinesia. Identifiers: Orphanet 98810, MedGen C1869117, MONDO:0700088.

Allele frequency attached by ClinVar (database versions not stated): TOPMed below 0.00001.
gnomAD v4.1: 6 of 1,597,304 alleles (0.00038%); highest among the groups gnomAD compares: Non-Finnish European, 0.00051%; no homozygotes.

Submission:

Labcorp Genetics (formerly Invitae), Labcorp
Classification: Uncertain significance for Paroxysmal nonkinesigenic dyskinesia. Last evaluated: 2022-10-27. Review status: criteria provided, single submitter. Criteria: Invitae Variant Classification Sherloc (09022015). Collection method: clinical testing. Allele origin: germline.
Comment: This sequence change affects a donor splice site in intron 4 of the PNKD gene. It is expected to disrupt RNA splicing. Variants that disrupt the donor or acceptor splice site typically lead to a loss of protein function (PMID: 16199547), however the current clinical and genetic evidence is not sufficient to establish whether loss-of-function variants in PNKD cause disease. In summary, the available evidence is currently insufficient to determine the role of this variant in disease. Therefore, it has been classified as a Variant of Uncertain Significance. Algorithms developed to predict the effect of sequence changes on RNA splicing suggest that this variant may disrupt the consensus splice site. ClinVar contains an entry for this variant (Variation ID: 1006163). This variant has not been reported in the literature in individuals affected with PNKD-related conditions. This variant is not present in population databases (gnomAD no frequency).

Literature cited by the submitters: PubMed 16199547.